The following is an entry in ClinVar:

NM_000051.4(ATM):c.2839-337G>A

Gene: ATM (ATM serine/threonine kinase; plus strand). Cytogenetic location: 11q22.3.
Variant type: single nucleotide variant.
Coding change: c.2839-337G>A on transcript NM_000051.4 (MANE Select); 337 bases into the intron before coding-DNA position 2839, G replaced by A.
Molecular consequence: intron variant.
Genome position (GRCh38, 1-based): chr11:108,270,727, G>A. VCF-style: chr11-108270727-G-A. GRCh37 (hg19) VCF-style: chr11-108141454-G-A.
Other names: c.2839-337G>A (NM_001351834.2).
Identifiers: ClinVar variation 679758 (VCV000679758.1), dbSNP rs4987980, ClinGen allele CA13552236.

ClinVar aggregate classification (germline): Likely benign (1 of 4 stars; one submission).

Allele frequency attached by ClinVar (database versions not stated): 1000 Genomes Project 30x 0.00734; 1000 Genomes Project 0.00799; TOPMed 0.00866; gnomAD 0.00926.
gnomAD v4.1: 1,431 of 151,888 alleles (0.94%); highest among the groups gnomAD compares: Non-Finnish European, 1.2%; 4 homozygotes.

Submission:

GeneDx
Classification: Likely benign. Last evaluated: 2018-06-15. Review status: criteria provided, single submitter. Criteria: GeneDx Variant Classification (06012015). Collection method: clinical testing. Allele origin: germline. Affected: yes.
Comment: This variant is considered likely benign or benign based on one or more of the following criteria: it is a conservative change, it occurs at a poorly conserved position in the protein, it is predicted to be benign by multiple in silico algorithms, and/or has population frequency not consistent with disease.